The following is an entry in ClinVar:

NM_000038.6(APC):c.1776A>G (p.Leu592=)

Gene: APC (APC regulator of Wnt signaling pathway; plus strand). Cytogenetic location: 5q22.2.
Variant type: single nucleotide variant.
Coding change: c.1776A>G on transcript NM_000038.6 (MANE Select); coding-DNA position 1776, A replaced by G.
Protein change: p.Leu592=; no amino-acid change (leucine 592 retained).
Molecular consequence: synonymous variant.
Genome position (GRCh38, 1-based): chr5:112,834,983, A>G. VCF-style: chr5-112834983-A-G. GRCh37 (hg19) VCF-style: chr5-112170680-A-G.
Other names: c.1776A>G, p.Leu592= (NM_001127510.3, NM_001354895.2); c.1722A>G, p.Leu574= (NM_001127511.3); c.1830A>G, p.Leu610= (NM_001354896.2); c.1806A>G, p.Leu602= (NM_001354897.2); c.1701A>G, p.Leu567= (NM_001354898.2); c.1692A>G, p.Leu564= (NM_001354899.2); c.1653A>G, p.Leu551= (NM_001354900.2); c.1599A>G, p.Leu533= (NM_001354901.2); and 5 more.
Identifiers: ClinVar variation 628931 (VCV000628931.16), dbSNP rs1554083127, ClinGen allele CA445758447.
Genomic context (GRCh38, chr5:112,834,983, plus strand): 5'-AGATGACCCATATTCTGTTTCTTACTAGGAATCAACCCTCAAAAGCGTATTGAGTGCCTT[A>G]TGGAATTTGTCAGCACATTGCACTGAGAATAAAGCTGATATATGTGCTGTAGATGGTGCA-3'
Protein context (NP_000029.2, residues 582-602): ESTLKSVLSA[Leu592=]WNLSAHCTEN

ClinVar aggregate classification (germline): Benign/Likely benign. Review status: criteria provided, multiple submitters, no conflicts (2 of 4 stars). 4 submissions from 4 submitters: Benign (1); Likely benign (3). Last evaluated 2025-08-11.

Conditions:
Hereditary cancer-predisposing syndrome. Also called: Neoplastic Syndromes, Hereditary; Tumor predisposition; Hereditary neoplastic syndrome; Hereditary Cancer Syndrome. Identifiers: Orphanet 140162, MedGen C0027672, MeSH D009386, MONDO:0015356.
Familial adenomatous polyposis 1 (FAP1). Also called: POLYPOSIS, ADENOMATOUS INTESTINAL; FAMILIAL ADENOMATOUS POLYPOSIS 1, ATTENUATED. Identifiers: MedGen C2713442, MONDO:0021056, OMIM 175100. Disease mechanism: loss of function.

Allele frequency attached by ClinVar (database versions not stated): gnomAD exomes below 0.00001.
gnomAD v4.1: 2 of 1,614,052 alleles (0.00012%); highest among the groups gnomAD compares: African/African-American, 0.0013%; no homozygotes.

Submissions (4):

Labcorp Genetics (formerly Invitae), Labcorp
Classification: Likely benign for Familial adenomatous polyposis 1. Last evaluated: 2025-08-11. Review status: criteria provided, single submitter. Criteria: Invitae Variant Classification Sherloc (09022015). Collection method: clinical testing. Allele origin: germline.

Myriad Genetics, Inc.
Classification: Benign for Familial adenomatous polyposis 1. Last evaluated: 2024-03-07. Review status: criteria provided, single submitter. Criteria: Myriad Autosomal Dominant, Autosomal Recessive and X-Linked Classification Criteria (2023). Collection method: clinical testing. Allele origin: unknown.
Comment: This variant is considered benign. This variant is a silent/synonymous amino acid change and it is not expected to impact splicing.

Ambry Genetics
Classification: Likely benign for Hereditary cancer-predisposing syndrome. Last evaluated: 2022-09-03. Review status: criteria provided, single submitter. Criteria: Ambry Variant Classification Scheme 2023. Collection method: clinical testing. Allele origin: germline.

Color Diagnostics, LLC DBA Color Health
Classification: Likely benign for Hereditary cancer-predisposing syndrome. Last evaluated: 2018-07-25. Review status: criteria provided, single submitter. Criteria: ACMG Guidelines, 2015. Collection method: clinical testing. Allele origin: germline.